The following is an entry in ClinVar:

ClinVar aggregate classification (germline): Conflicting classifications of pathogenicity. Review status: criteria provided, conflicting classifications (1 of 4 stars). 3 submissions from 3 submitters: Uncertain significance (1); Likely benign (2). Last evaluated 2025-12-03.

Conditions:
Dyskeratosis congenita. Identifiers: Orphanet 1775, MedGen C0265965, MONDO:0015780.
Dyskeratosis congenita, autosomal dominant 2. Identifiers: MedGen C3151443, MONDO:0013521, OMIM 613989.
Idiopathic Pulmonary Fibrosis. Also called: Idiopathic fibrosing alveolitis, chronic form; idiopathic fibrosing alveolitis. Identifiers: Orphanet 2032, MedGen C1800706, MeSH D054990, MONDO:0800504.

Allele frequency attached by ClinVar (database versions not stated): ExAC 0.00001; gnomAD exomes 0.00002; TOPMed 0.00002; gnomAD 0.00003 and 0.00004.
gnomAD v4.1: 33 of 1,596,780 alleles (0.0021%); highest among the groups gnomAD compares: Non-Finnish European, 0.0018%; no homozygotes.

Submissions (3):

Labcorp Genetics (formerly Invitae), Labcorp
Classification: Likely benign for Dyskeratosis congenita, autosomal dominant 2; Idiopathic Pulmonary Fibrosis. Last evaluated: 2025-12-03. Review status: criteria provided, single submitter. Criteria: Invitae Variant Classification Sherloc (09022015). Collection method: clinical testing. Allele origin: germline.

Blueprint Genetics
Classification: Likely benign. Last evaluated: 2024-07-12. Review status: criteria provided, single submitter. Criteria: ACMG Guidelines, 2015. Collection method: clinical testing. Allele origin: germline.

Sema4
Classification: Uncertain significance for Dyskeratosis congenita. Last evaluated: 2021-06-15. Review status: criteria provided, single submitter. Criteria: Sema4 Curation Guidelines. Collection method: curation. Allele origin: germline.
Comment: The TERT c.2469-9C>T variant has not been reported in the literature to our knowledge. It was observed in 3/24956 chromosomes of the Finnish subpopulation in the large and broad cohorts of the Genome Aggregation Database. The variant has been reported in ClinVar (Variation ID 699468). In silico tools suggest that the variant does not impact splicing, though these predictions have not been confirmed by functional studies. The evidence is insufficient to meet ACMG/AMP criteria for classifying the variant as benign or pathogenic. Thus, the clinical significance of this variant is currently uncertain.

NM_198253.3(TERT):c.2469-9C>T

Gene: TERT (telomerase reverse transcriptase; minus strand). Cytogenetic location: 5p15.33.
Variant type: single nucleotide variant.
Coding change: c.2469-9C>T on transcript NM_198253.3 (MANE Select); 9 bases into the intron before coding-DNA position 2469, C replaced by T.
Molecular consequence: intron variant.
Genome position (GRCh38, 1-based): chr5:1,268,642, G>A on the plus strand (C>T on the coding strand, the complement: TERT is on the minus strand). VCF-style: chr5-1268642-G-A. GRCh37 (hg19) VCF-style: chr5-1268757-G-A.
Other names: c.2469-9C>T (NM_001193376.3).
Identifiers: ClinVar variation 699468 (VCV000699468.13), dbSNP rs764029536, ClinGen allele CA3184489.